The following is an entry in ClinVar:

NM_015978.3(TNNI3K):c.1243G>T (p.Glu415Ter)

Genes: FPGT-TNNI3K (FPGT-TNNI3K readthrough; plus strand), TNNI3K (TNNI3 interacting kinase; plus strand). Cytogenetic location: 1p31.1.
Variant type: single nucleotide variant.
Coding change: c.1243G>T on transcript NM_015978.3 (MANE Select); coding-DNA position 1243, G replaced by T.
Protein change: p.Glu415Ter; replaces glutamic acid 415 with a stop codon.
Molecular consequence: nonsense.
Genome position (GRCh38, 1-based): chr1:74,367,321, G>T. VCF-style: chr1-74367321-G-T. GRCh37 (hg19) VCF-style: chr1-74833005-G-T.
Other names: c.1546G>T, p.Glu516Ter (NM_001112808.3, NM_001199327.2); short protein forms E516*, E415*.
Identifiers: ClinVar variation 2881264 (VCV002881264.3), dbSNP rs776709632, ClinGen allele CA909204.

ClinVar aggregate classification (germline): Uncertain significance (1 of 4 stars; one submission).

Allele frequency attached by ClinVar (database versions not stated): gnomAD exomes below 0.00001; TOPMed below 0.00001; ExAC 0.00001.
gnomAD v4.1: 4 of 1,612,110 alleles (0.00025%); highest among the groups gnomAD compares: South Asian, 0.0022%; no homozygotes.

Submission:

Labcorp Genetics (formerly Invitae), Labcorp
Classification: Uncertain significance. Last evaluated: 2023-02-03. Review status: criteria provided, single submitter. Criteria: Invitae Variant Classification Sherloc (09022015). Collection method: clinical testing. Allele origin: germline.
Comment: In summary, the available evidence is currently insufficient to determine the role of this variant in disease. Therefore, it has been classified as a Variant of Uncertain Significance. Algorithms developed to predict the effect of sequence changes on RNA splicing suggest that this variant may disrupt the consensus splice site. This sequence change creates a premature translational stop signal (p.Glu415*) in the TNNI3K gene. It is expected to result in an absent or disrupted protein product. However, the current clinical and genetic evidence is not sufficient to establish whether loss-of-function variants in TNNI3K cause disease. This variant is present in population databases (rs776709632, gnomAD 0.003%). This variant has not been reported in the literature in individuals affected with TNNI3K-related conditions.